The following is an entry in ClinVar:

ClinVar aggregate classification (germline): Conflicting classifications of pathogenicity. Review status: criteria provided, conflicting classifications (1 of 4 stars). 4 submissions from 4 submitters: Uncertain significance (3); Likely benign (1). Last evaluated 2026-02-20.

Conditions:
JPH2-related disorder. Also called: JPH2-related condition.
Cardiovascular phenotype. Identifiers: MedGen CN230736.
Hypertrophic cardiomyopathy. Also called: HYPERTROPHIC MYOCARDIOPATHY. Identifiers: Orphanet 217569, MedGen C0007194, MeSH D002312, MONDO:0005045, HP:0001639.

Allele frequency attached by ClinVar (database versions not stated): gnomAD 0.00004 and 0.00005; gnomAD exomes 0.00004 and 0.00012; TOPMed 0.00004.
gnomAD v4.1: 164 of 1,511,526 alleles (0.011%); highest among the groups gnomAD compares: Non-Finnish European, 0.014%; no homozygotes.

Submissions (4):

PreventionGenetics, part of Exact Sciences
Classification: Uncertain significance for JPH2-related condition. Last evaluated: 2026-02-20. Review status: criteria provided, single submitter. Criteria: ACMG Guidelines, 2015. Collection method: clinical testing. Allele origin: germline.
Comment: The JPH2 c.1420G>A variant is predicted to result in the amino acid substitution p.Glu474Lys. This variant has been reported in two individuals with dilated cardiomyopathy; one of the individuals also carried variants in other genes (Table S3, Verdonschot et al. 2020. PubMed ID: 32880476). This variant is reported in 0.0092% of alleles in individuals of European (Non-Finnish) descent in gnomAD. At this time, the clinical significance of this variant is uncertain due to the absence of conclusive functional and genetic evidence.

Labcorp Genetics (formerly Invitae), Labcorp
Classification: Uncertain significance for Hypertrophic cardiomyopathy. Last evaluated: 2026-02-03. Review status: criteria provided, single submitter. Criteria: Invitae Variant Classification Sherloc (09022015). Collection method: clinical testing. Allele origin: germline.
Comment: This sequence change replaces glutamic acid, which is acidic and polar, with lysine, which is basic and polar, at codon 474 of the JPH2 protein (p.Glu474Lys). This variant is present in population databases (no rsID available, gnomAD 0.01%). This missense change has been observed in individual(s) with dilated cardiomyopathy (PMID: 32880476). ClinVar contains an entry for this variant (Variation ID: 453208). An algorithm developed to predict the effect of missense changes on protein structure and function (PolyPhen-2) suggests that this variant is likely to be tolerated. In summary, the available evidence is currently insufficient to determine the role of this variant in disease. Therefore, it has been classified as a Variant of Uncertain Significance.

Ambry Genetics
Classification: Likely benign for Cardiovascular phenotype. Last evaluated: 2024-10-28. Review status: criteria provided, single submitter. Criteria: Ambry Variant Classification Scheme 2023. Collection method: clinical testing. Allele origin: germline.

GeneDx
Classification: Uncertain significance. Last evaluated: 2017-11-09. Review status: criteria provided, single submitter. Criteria: GeneDx Variant Classification (06012015). Collection method: clinical testing. Allele origin: germline. Affected: yes.
Comment: A variant of uncertain significance has been identified in the JPH2 gene. The E474K variant has not been published as pathogenic or been reported as benign to our knowledge. This variant is observed in 5/52304 (0.01%) alleles from individuals of European (non-Finnish) ancestry in large population cohorts (Lek et al., 2016). The E474K variant is a non-conservative amino acid substitution, which is likely to impact secondary protein structure as these residues differ in polarity, charge, size and/or other properties. However, n-silico analyses, including protein predictors and evolutionary conservation, support that this variant does not alter protein structure/function.

Literature cited by the submitters: PubMed 32880476 (cited by Labcorp Genetics (formerly Invitae), Labcorp and Ambry Genetics).

NM_020433.5(JPH2):c.1420G>A (p.Glu474Lys)

Gene: JPH2 (junctophilin 2; minus strand). Cytogenetic location: 20q13.12.
Variant type: single nucleotide variant.
Coding change: c.1420G>A on transcript NM_020433.5 (MANE Select); coding-DNA position 1420, G replaced by A.
Protein change: p.Glu474Lys; replaces glutamic acid 474 with lysine.
Molecular consequence: missense variant.
Genome position (GRCh38, 1-based): chr20:44,116,255, C>T on the plus strand (G>A on the coding strand, the complement: JPH2 is on the minus strand). VCF-style: chr20-44116255-C-T. GRCh37 (hg19) VCF-style: chr20-42744895-C-T.
Other names: short protein forms E474K.
Identifiers: ClinVar variation 453208 (VCV000453208.15), dbSNP rs1033476644, ClinGen allele CA314642677.